The following is an entry in ClinVar:

NM_002834.5(PTPN11):c.15-19C>A

Gene: PTPN11 (protein tyrosine phosphatase non-receptor type 11; plus strand). Cytogenetic location: 12q24.13.
Variant type: single nucleotide variant.
Coding change: c.15-19C>A on transcript NM_002834.5 (MANE Select); 19 bases into the intron before coding-DNA position 15, C replaced by A.
Molecular consequence: intron variant.
Genome position (GRCh38, 1-based): chr12:112,446,257, C>A. VCF-style: chr12-112446257-C-A. GRCh37 (hg19) VCF-style: chr12-112884061-C-A.
Other names: c.15-19C>A (NM_001330437.2, NM_001374625.1, NM_080601.3).
Identifiers: ClinVar variation 1217254 (VCV001217254.13), dbSNP rs779587904, ClinGen allele CA6798500.

ClinVar aggregate classification (germline): Likely benign. Review status: criteria provided, multiple submitters, no conflicts (2 of 4 stars). 3 submissions from 3 submitters: Likely benign (3). Last evaluated 2025-10-12.

Conditions:
RASopathy. Also called: Noonan spectrum disorder; rasopathies. Identifiers: Orphanet 536391, MedGen C5555857, MONDO:0021060.

Allele frequency attached by ClinVar (database versions not stated): ExAC 0.00001; gnomAD 0.00001; TOPMed 0.00006.
gnomAD v4.1: 2 of 1,613,522 alleles (0.00012%); highest among the groups gnomAD compares: Admixed American, 0.0033%; no homozygotes.

Submissions (3):

Labcorp Genetics (formerly Invitae), Labcorp
Classification: Likely benign for RASopathy. Last evaluated: 2025-10-12. Review status: criteria provided, single submitter. Criteria: Invitae Variant Classification Sherloc (09022015). Collection method: clinical testing. Allele origin: germline.

Women's Health and Genetics/Laboratory Corporation of America, LabCorp
Classification: Likely benign. Last evaluated: 2025-01-09. Review status: criteria provided, single submitter. Criteria: LabCorp Variant Classification Summary - May 2015. Collection method: clinical testing. Allele origin: germline.
Comment: Variant summary: PTPN11 c.15-19C>A alters a non-conserved nucleotide located at a position not widely known to affect splicing. Consensus agreement among computation tools predict no significant impact on normal splicing. However, these predictions have yet to be confirmed by functional studies. The variant allele was found at a frequency of 4e-06 in 251138 control chromosomes. The available data on variant occurrences in the general population are insufficient to allow any conclusion about variant significance. To our knowledge, no occurrence of c.15-19C>A in individuals affected with Noonan Syndrome and no experimental evidence demonstrating its impact on protein function have been reported. ClinVar contains an entry for this variant (Variation ID: 1217254). Based on the evidence outlined above, the variant was classified as likely benign.

Blueprint Genetics
Classification: Likely benign. Last evaluated: 2021-11-04. Review status: criteria provided, single submitter. Criteria: ACMG Guidelines, 2015. Collection method: clinical testing. Allele origin: germline.